The following is an entry in ClinVar:

ClinVar aggregate classification (germline): Pathogenic. Review status: criteria provided, multiple submitters, no conflicts (2 of 4 stars). 5 submissions from 5 submitters: Pathogenic (5). Last evaluated 2026-04-14.

Conditions:
Benign recurrent intrahepatic cholestasis type 1. Also called: Mild-to-Moderate ATP8B1 Deficiency (Benign Recurrent Intrahepatic Cholestasis 1 [BRIC1]); SUMMERSKILL SYNDROME. Identifiers: Orphanet 65682, Orphanet 99960, MedGen C4551899, MONDO:0009469, OMIM 243300.
Progressive familial intrahepatic cholestasis type 1. Also called: Byler's disease; Severe ATP8B1 Deficiency (Progressive Familial Intrahepatic Cholestasis Type 1 [PFIC1]); BYLER DISEASE. Identifiers: Orphanet 79306, MedGen C4551898, MONDO:0008892, OMIM 211600.
Cholestasis, intrahepatic, of pregnancy, 1 (ICP1). Also called: CHOLESTASIS, PREGNANCY-RELATED, 1. Identifiers: Orphanet 69665, MedGen C3549845, MONDO:0007829, OMIM 147480.
Familial intrahepatic cholestasis. Identifiers: Orphanet 284385, MedGen CN296401, MONDO:0017290.

Allele frequency attached by ClinVar (database versions not stated): ExAC 0.00001.
gnomAD v4.1: 19 of 1,614,094 alleles (0.0012%); highest among the groups gnomAD compares: Non-Finnish European, 0.0015%; no homozygotes.

Submissions (5):

Genomenon, Inc
Classification: Pathogenic for Familial intrahepatic cholestasis. Last evaluated: 2026-04-14. Review status: criteria provided, single submitter. Criteria: Genomenon Sequence Variant Interpretation Standards - Updated. Collection method: curation. Allele origin: germline. Affected: yes.
Comment: ATP8B1 p.Arg525Ter (c.1573C>T) is a nonsense variant that introduces a premature stop codon at amino acid position 525, creating a truncated protein that is predicted to undergo nonsense-mediated mRNA decay. This variant has been observed in at least one proband with features of ATP8B1-deficiency (PMID:37697751;20232290). The variant was found to segregate with disease in at least one affected family (PMID:20232290). It is absent or not present at a significant frequency in gnomAD. In conclusion, we classify ATP8B1 p.Arg525Ter (c.1573C>T) as a pathogenic variant.

Fulgent Genetics
Classification: Pathogenic for Cholestasis, intrahepatic, of pregnancy, 1; Progressive familial intrahepatic cholestasis type 1; Benign recurrent intrahepatic cholestasis type 1. Last evaluated: 2024-04-23. Review status: criteria provided, single submitter. Criteria: ACMG Guidelines, 2015. Collection method: clinical testing. Allele origin: germline.

Baylor Genetics
Classification: Pathogenic for Benign recurrent intrahepatic cholestasis type 1. Last evaluated: 2024-01-06. Review status: criteria provided, single submitter. Criteria: ACMG Guidelines, 2015. Collection method: clinical testing. Allele origin: unknown.

Labcorp Genetics (formerly Invitae), Labcorp
Classification: Pathogenic. Last evaluated: 2023-10-23. Review status: criteria provided, single submitter. Criteria: Invitae Variant Classification Sherloc (09022015). Collection method: clinical testing. Allele origin: germline.
Comment: This sequence change creates a premature translational stop signal (p.Arg525*) in the ATP8B1 gene. It is expected to result in an absent or disrupted protein product. Loss-of-function variants in ATP8B1 are known to be pathogenic (PMID: 15239083, 22525741). This variant is present in population databases (rs770257115, gnomAD 0.007%). This premature translational stop signal has been observed in individual(s) with progressive familial intrahepatic cholestasis type 1 (PMID: 20232290). ClinVar contains an entry for this variant (Variation ID: 1698811). For these reasons, this variant has been classified as Pathogenic.

Genetics and Molecular Pathology, SA Pathology
Classification: Pathogenic for Progressive familial intrahepatic cholestasis type 1. Last evaluated: 2021-03-16. Review status: criteria provided, single submitter. Criteria: ACMG Guidelines, 2015. Collection method: clinical testing. Allele origin: germline. Inheritance: Autosomal recessive inheritance. Affected: yes.

Literature cited by the submitters: PubMed 37697751 (cited by Genomenon, Inc); PubMed 20232290 (cited by Genomenon, Inc and Labcorp Genetics (formerly Invitae), Labcorp); PubMed 15239083 (cited by Labcorp Genetics (formerly Invitae), Labcorp); PubMed 22525741 (cited by Labcorp Genetics (formerly Invitae), Labcorp).

NM_001374385.1(ATP8B1):c.1573C>T (p.Arg525Ter)

Gene: ATP8B1 (ATPase phospholipid transporting 8B1; minus strand). Cytogenetic location: 18q21.31.
Variant type: single nucleotide variant.
Coding change: c.1573C>T on transcript NM_001374385.1 (MANE Select); coding-DNA position 1573, C replaced by T.
Protein change: p.Arg525Ter; replaces arginine 525 with a stop codon.
Molecular consequence: nonsense.
Genome position (GRCh38, 1-based): chr18:57,684,093, G>A on the plus strand (C>T on the coding strand, the complement: ATP8B1 is on the minus strand). VCF-style: chr18-57684093-G-A. GRCh37 (hg19) VCF-style: chr18-55351325-G-A.
Other names: c.1423C>T, p.Arg475Ter (NM_001374386.1); c.1573C>T, p.Arg525Ter (NM_005603.6); short protein forms R475*, R525*.
Identifiers: ClinVar variation 1698811 (VCV001698811.9), dbSNP rs770257115, ClinGen allele CA8974528.
Genomic context (GRCh38, chr18:57,684,093, plus strand): 5'-CACCATCAGTCCTATCCACCATGACTGTGTGGCAAACTGCGAGCAAGAAGAAGAACTGTC[G>A]TACTTCTGGCTCTTTCCCTGACTGGATTTGCTCAATAAGATAGTGGTCATAAAATGCAAG-3'